The following is an entry in ClinVar:

ClinVar aggregate classification (germline): Uncertain significance (1 of 4 stars; one submission).

Conditions:
Familial thoracic aortic aneurysm and aortic dissection (TAAD). Also called: Thoracic aortic aneurysms and dissections. Identifiers: Orphanet 91387, MedGen C4707243, MONDO:0019625.

Submission:

Color Diagnostics, LLC DBA Color Health
Classification: Uncertain significance for Familial thoracic aortic aneurysm and aortic dissection. Last evaluated: 2025-07-17. Review status: criteria provided, single submitter. Criteria: ACMG Guidelines, 2015. Collection method: clinical testing. Allele origin: germline.
Comment: This missense variant replaces glycine with serine at codon 407 of the FBN1 protein. Computational prediction suggests that this variant may not impact protein structure and function. To our knowledge, functional studies have not been reported for this variant. This variant has not been reported in individuals affected with FBN1-related disorders in the literature. This variant has not been identified in the general population by the Genome Aggregation Database (gnomAD). The available evidence is insufficient to determine the role of this variant in disease conclusively. Therefore, this variant is classified as a Variant of Uncertain Significance.

NM_000138.5(FBN1):c.1219G>A (p.Gly407Ser)

Gene: FBN1 (fibrillin 1; minus strand). Cytogenetic location: 15q21.1.
Variant type: single nucleotide variant.
Coding change: c.1219G>A on transcript NM_000138.5 (MANE Select); coding-DNA position 1219, G replaced by A.
Protein change: p.Gly407Ser; replaces glycine 407 with serine.
Molecular consequence: missense variant.
Genome position (GRCh38, 1-based): chr15:48,516,291, C>T on the plus strand (G>A on the coding strand, the complement: FBN1 is on the minus strand). VCF-style: chr15-48516291-C-T. GRCh37 (hg19) VCF-style: chr15-48808488-C-T.
Other names: c.1219G>A, p.Gly407Ser (NM_001406716.1); short protein forms G407S.
Identifiers: ClinVar variation 4757679 (VCV004757679.1).